The following is an entry in ClinVar:

NM_001033855.3(DCLRE1C):c.1507_1508del (p.Ser503fs)

Gene: DCLRE1C (DNA cross-link repair 1C; minus strand). Cytogenetic location: 10p13.
Variant type: Microsatellite.
Coding change: c.1507_1508del on transcript NM_001033855.3 (MANE Select); coding-DNA positions 1507 to 1508, 2 bases deleted (AG; older notation c.1507_1508delAG).
Protein change: p.Ser503fs; shifts the reading frame from serine 503.
Molecular consequence: frameshift variant. On other transcripts: non-coding transcript variant (4).
Genome position (GRCh38, 1-based): chr10:14,908,979-14,908,980, CT deleted on the plus strand (AG on the coding strand, the reverse complement: DCLRE1C is on the minus strand); deleting any 2 consecutive bases within chr10:14,908,979-14,908,983 gives the same sequence; the c. name uses the placement nearest the transcript's 3' end. VCF-style (leftmost placement, unchanged base first): chr10-14908978-ACT-A. GRCh37 (hg19) VCF-style: chr10-14950977-ACT-A.
Other names: c.1507_1508delAG (NM_001033855.2); c.1147_1148del, p.Ser383fs (NM_001033857.3, NM_001033858.3, NM_001289077.2 and 2 more transcripts); c.1162_1163del, p.Ser388fs (NM_001289076.2, NM_001289078.2, NM_001350966.2 and 1 more transcripts); c.1507_1508del, p.Ser503fs (NM_001350965.2); short protein forms S388fs, S383fs, S503fs.
Identifiers: ClinVar variation 1386133 (VCV001386133.9), dbSNP rs2131775994, ClinGen allele CA2580615434.
Genomic context (GRCh38, chr10:14,908,978, plus strand): 5'-ACTGAAAAGCTTTGGTGACTGAGATCCCCCTGCCACTGTGGAGGAAGGGAAGTTTTCCAA[ACT>A]CTCATCTGTGATTTCATCATTTCTTTTAAAGAATACTTCCCACTGGGGTACATCCCCATC-3'

ClinVar aggregate classification (germline): Pathogenic. Review status: criteria provided, single submitter (1 of 4 stars). 2 submissions from 2 submitters: Pathogenic (1). 1 of the submissions does not count toward it. Last evaluated 2021-01-29.

Conditions:
Severe combined immunodeficiency due to DCLRE1C deficiency (RS-SCID). Also called: SCID, AUTOSOMAL RECESSIVE, T CELL-NEGATIVE, B CELL-NEGATIVE, NK CELL-POSITIVE, WITH SENSITIVITY TO IONIZING RADIATION. Identifiers: Orphanet 275, MedGen C1865371, MONDO:0011225, OMIM 602450.
DCLRE1C-related disorder. Also called: DCLRE1C-related condition.

Submissions (2):

Labcorp Genetics (formerly Invitae), Labcorp
Classification: Pathogenic for Athabaskan severe combined immunodeficiency. Last evaluated: 2021-01-29. Review status: criteria provided, single submitter. Criteria: Invitae Variant Classification Sherloc (09022015). Collection method: clinical testing. Allele origin: germline.
Comment: For these reasons, this variant has been classified as Pathogenic. This variant disrupts the C-terminus of the DCLRE1C protein. Other variant(s) that disrupt this region (p.Thr557Asnfs*21) have been determined to be pathogenic (PMID: 26476407). This suggests that variants that disrupt this region of the protein are likely to be causative of disease. This variant has not been reported in the literature in individuals with DCLRE1C-related conditions. This variant is not present in population databases (ExAC no frequency). This sequence change creates a premature translational stop signal (p.Ser503Phefs*21) in the DCLRE1C gene. While this is not anticipated to result in nonsense mediated decay, it is expected to disrupt the last 190 amino acid(s) of the DCLRE1C protein.

PreventionGenetics, part of Exact Sciences
Classification: Likely pathogenic for DCLRE1C-related condition. Last evaluated: 2024-06-06. Review status: no assertion criteria provided. Collection method: clinical testing. Allele origin: germline. Not counted in ClinVar's aggregate classification.
Comment: The DCLRE1C c.1507_1508delAG variant is predicted to result in a frameshift and premature protein termination (p.Ser503Phefs*21). To our knowledge, this variant has not been reported in literature or public databases. However, protein-truncating variants in DCLRE1C have been documented to be causative for severe combined immunodeficiency and are expected to be pathogenic. This variant is interpreted as likely pathogenic.

Literature cited by the submitters: PubMed 26476407 (cited by Labcorp Genetics (formerly Invitae), Labcorp).